The following is an entry in ClinVar:

ClinVar aggregate classification (germline): Likely benign (1 of 4 stars; one submission).

Submission:

CeGaT Center for Human Genetics Tuebingen
Classification: Likely benign. Last evaluated: 2022-12-01. Review status: criteria provided, single submitter. Criteria: CeGaT Center For Human Genetics Tuebingen Variant Classification Criteria Version 2. Collection method: clinical testing. Allele origin: germline. Affected: yes. Observed: 1 variant allele.
Comment: DGKH: BS2

NM_178009.5(DGKH):c.623-3_623-2insTTTTTTTTTTTTTTTTTTTTTTTTTTTTTTT

Gene: DGKH (diacylglycerol kinase eta; plus strand). Cytogenetic location: 13q14.11.
Variant type: Insertion.
Coding change: c.623-3_623-2insTTTTTTTTTTTTTTTTTTTTTTTTTTTTTTT on transcript NM_178009.5 (MANE Select); 3 bases into the intron before coding-DNA position 623 through the canonical splice acceptor site of the intron before coding-DNA position 623, TTTTTTTTTTTTTTTTTTTTTTTTTTTTTTT inserted.
Molecular consequence: intron variant.
Genome position: GRCh38: chr13:42,159,263-42,159,264. GRCh37 (hg19): chr13:42,733,399-42,733,400.
Other names: c.623-3_623-2insTTTTTTTTTTTTTTTTTTTTTTTTTTTTTTT (NM_001204504.3, NM_152910.6); c.215-3_215-2insTTTTTTTTTTTTTTTTTTTTTTTTTTTTTTT (NM_001204505.3, NM_001204506.3); c.120+3464_120+3465insTTTTTTTTTTTTTTTTTTTTTTTTTTTTTTT (NM_001297429.2).
Identifiers: ClinVar variation 2643786 (VCV002643786.24), dbSNP rs57531279, ClinGen allele CA955363705.